The following is an entry in ClinVar:

ClinVar aggregate classification (germline): Uncertain significance (1 of 4 stars; one submission).

Conditions:
Ehlers-Danlos syndrome, classic type, 1 (EDSCL1). Also called: EHLERS-DANLOS SYNDROME, GRAVIS TYPE; EHLERS-DANLOS SYNDROME, SEVERE CLASSIC TYPE; EDS I; Ehlers-Danlos Syndrome, Classic Type, COL5A1-Related; Ehlers-Danlos syndrome, type 1. Identifiers: MedGen C0268335, MONDO:0019567, OMIM 130000.

Submission:

Labcorp Genetics (formerly Invitae), Labcorp
Classification: Uncertain significance for Ehlers-Danlos syndrome, classic type, 1. Last evaluated: 2019-10-12. Review status: criteria provided, single submitter. Criteria: Invitae Variant Classification Sherloc (09022015). Collection method: clinical testing. Allele origin: germline.
Comment: In summary, the available evidence is currently insufficient to determine the role of this variant in disease. Therefore, it has been classified as a Variant of Uncertain Significance. Algorithms developed to predict the effect of missense changes on protein structure and function are either unavailable or do not agree on the potential impact of this missense change (SIFT: "Deleterious"; PolyPhen-2: "Not Available"; Align-GVGD: "Class C0"). This variant has not been reported in the literature in individuals with COL5A1-related conditions. This variant is not present in population databases (ExAC no frequency). This sequence change replaces glycine with glutamic acid at codon 1661 of the COL5A1 protein (p.Gly1661Glu). The glycine residue is highly conserved and there is a moderate physicochemical difference between glycine and glutamic acid.

NM_000093.5(COL5A1):c.4982G>A (p.Gly1661Glu)

Genes: COL5A1 (collagen type V alpha 1 chain; plus strand), LOC101448202 (uncharacterized LOC101448202; minus strand). Cytogenetic location: 9q34.3.
Variant type: single nucleotide variant.
Coding change: c.4982G>A on transcript NM_000093.5 (MANE Select); coding-DNA position 4982, G replaced by A.
Protein change: p.Gly1661Glu; replaces glycine 1661 with glutamic acid.
Molecular consequence: missense variant.
Genome position (GRCh38, 1-based): chr9:134,825,819, G>A. VCF-style: chr9-134825819-G-A. GRCh37 (hg19) VCF-style: chr9-137717665-G-A.
Other names: c.4982G>A, p.Gly1661Glu (NM_001278074.1); short protein forms G1661E.
Identifiers: ClinVar variation 970850 (VCV000970850.11), dbSNP rs1839242243, ClinGen allele CA375458878.